The following is an entry in ClinVar:

NM_000062.3(SERPING1):c.1469T>A (p.Val490Asp)

Gene: SERPING1 (serpin family G member 1; plus strand). Cytogenetic location: 11q12.1.
Variant type: single nucleotide variant.
Coding change: c.1469T>A on transcript NM_000062.3 (MANE Select); coding-DNA position 1469, T replaced by A.
Protein change: p.Val490Asp; replaces valine 490 with aspartic acid.
Molecular consequence: missense variant.
Genome position (GRCh38, 1-based): chr11:57,614,547, T>A. VCF-style: chr11-57614547-T-A. GRCh37 (hg19) VCF-style: chr11-57382020-T-A.
Other names: c.1469T>A, p.Val490Asp (NM_001032295.2); short protein forms V490D.
Identifiers: ClinVar variation 3721036 (VCV003721036.2).

ClinVar aggregate classification (germline): Uncertain significance (1 of 4 stars; one submission).

Submission:

Labcorp Genetics (formerly Invitae), Labcorp
Classification: Uncertain significance. Last evaluated: 2024-08-29. Review status: criteria provided, single submitter. Criteria: Invitae Variant Classification Sherloc (09022015). Collection method: clinical testing. Allele origin: germline.
Comment: This sequence change replaces valine, which is neutral and non-polar, with aspartic acid, which is acidic and polar, at codon 490 of the SERPING1 protein (p.Val490Asp). This variant is not present in population databases (gnomAD no frequency). This missense change has been observed in individual(s) with hereditary angioedema type 1 (PMID: 12402344). This variant is also known as p.Val468Asp. Invitae Evidence Modeling of protein sequence and biophysical properties (such as structural, functional, and spatial information, amino acid conservation, physicochemical variation, residue mobility, and thermodynamic stability) indicates that this missense variant is expected to disrupt SERPING1 protein function with a positive predictive value of 80%. In summary, the available evidence is currently insufficient to determine the role of this variant in disease. Therefore, it has been classified as a Variant of Uncertain Significance.

Literature cited by the submitters: PubMed 12402344.